The following is an entry in ClinVar:

ClinVar aggregate classification (germline): Benign/Likely benign. Review status: criteria provided, multiple submitters, no conflicts (2 of 4 stars). 5 submissions from 5 submitters: Benign (1); Likely benign (3). 1 of the submissions does not count toward it. Last evaluated 2025-12-29.

Conditions:
Cone dystrophy with supernormal rod response (CDSRR). Also called: CONE DYSTROPHY WITH SUPERNORMAL ROD RESPONSES. Identifiers: Orphanet 209932, MedGen C1835897, MONDO:0012475, OMIM 610356.
KCNV2-related disorder. Also called: KCNV2-related condition.

Allele frequency attached by ClinVar (database versions not stated): gnomAD exomes 0.00023 and 0.00061; ExAC 0.00071; 1000 Genomes Project 30x 0.00156; 1000 Genomes Project 0.00160; ESP Exome Variant Server 0.00200; gnomAD 0.00207 and 0.00222; TOPMed 0.00255.
gnomAD v4.1: 664 of 1,611,410 alleles (0.041%); highest among the groups gnomAD compares: African/African-American, 0.76%; 1 homozygote.

Submissions (5):

Labcorp Genetics (formerly Invitae), Labcorp
Classification: Benign. Last evaluated: 2025-12-29. Review status: criteria provided, single submitter. Criteria: Invitae Variant Classification Sherloc (09022015). Collection method: clinical testing. Allele origin: germline.

Blueprint Genetics
Classification: Likely benign. Last evaluated: 2024-07-18. Review status: criteria provided, single submitter. Criteria: ACMG Guidelines, 2015. Collection method: clinical testing. Allele origin: germline.

Illumina Laboratory Services, Illumina
Classification: Likely benign for Cone dystrophy with supernormal rod response. Last evaluated: 2018-01-13. Review status: criteria provided, single submitter. Criteria: ICSL Variant Classification Criteria 13 December 2019. Collection method: clinical testing. Allele origin: germline.
Comment: This variant was observed in the ICSL laboratory as part of a predisposition screen in an ostensibly healthy population. It had not been previously curated by ICSL or reported in the Human Gene Mutation Database (HGMD: prior to June 1st, 2018), and was therefore a candidate for classification through an automated scoring system. Utilizing variant allele frequency, disease prevalence and penetrance estimates, and inheritance mode, an automated score was calculated to assess if this variant is too frequent to cause the disease. Based on the score and internal cut-off values, a variant classified as likely benign is not then subjected to further curation. The score for this variant resulted in a classification of likely benign for this disease.

Breakthrough Genomics
Classification: Likely benign. Review status: criteria provided, single submitter. Criteria: ACMG Guidelines, 2015. Collection method: not provided. Allele origin: germline. Inheritance: Autosomal recessive inheritance. Affected: yes.

PreventionGenetics, part of Exact Sciences
Classification: Benign for KCNV2-related condition. Last evaluated: 2019-05-15. Review status: no assertion criteria provided. Collection method: clinical testing. Allele origin: germline. Not counted in ClinVar's aggregate classification.
Comment: This variant is classified as benign based on ACMG/AMP sequence variant interpretation guidelines (Richards et al. 2015 PMID: 25741868, with internal and published modifications).

NM_133497.4(KCNV2):c.1026C>T (p.Ala342=)

Gene: KCNV2 (potassium voltage-gated channel modifier subfamily V member 2; plus strand). Cytogenetic location: 9p24.2.
Variant type: single nucleotide variant.
Coding change: c.1026C>T on transcript NM_133497.4 (MANE Select); coding-DNA position 1026, C replaced by T.
Protein change: p.Ala342=; no amino-acid change (alanine 342 retained).
Molecular consequence: synonymous variant.
Genome position (GRCh38, 1-based): chr9:2,718,765, C>T. VCF-style: chr9-2718765-C-T. GRCh37 (hg19) VCF-style: chr9-2718765-C-T.
Identifiers: ClinVar variation 914727 (VCV000914727.16), dbSNP rs141789289, ClinGen allele CA4965730.